The following is an entry in ClinVar:

NM_001242898.2(PPP6R2):c.1421G>A (p.Arg474His)

Gene: PPP6R2 (protein phosphatase 6 regulatory subunit 2; plus strand). Cytogenetic location: 22q13.33.
Variant type: single nucleotide variant.
Coding change: c.1421G>A on transcript NM_001242898.2 (MANE Select); coding-DNA position 1421, G replaced by A.
Protein change: p.Arg474His; replaces arginine 474 with histidine.
Molecular consequence: missense variant.
Genome position (GRCh38, 1-based): chr22:50,434,986, G>A. VCF-style: chr22-50434986-G-A. GRCh37 (hg19) VCF-style: chr22-50873415-G-A.
Other names: c.1424G>A, p.Arg475His (NM_001242899.2, NM_001351641.2); c.1421G>A, p.Arg474His (NM_001242900.2, NM_001351642.2, NM_001351643.2 and 4 more transcripts); c.1418G>A, p.Arg473His (NM_001351646.2); c.935G>A, p.Arg312His (NM_001351647.2, NM_001351648.2); short protein forms R312H, R473H, R474H, R475H.
Identifiers: ClinVar variation 2653382 (VCV002653382.24), dbSNP rs114588174, ClinGen allele CA10314997.

ClinVar aggregate classification (germline): Likely benign (1 of 4 stars; one submission).

Allele frequency attached by ClinVar (database versions not stated): 1000 Genomes Project 0.00120; 1000 Genomes Project 30x 0.00141; ESP Exome Variant Server 0.00608.
gnomAD v4.1: 13,045 of 1,605,710 alleles (0.81%); highest among the groups gnomAD compares: Non-Finnish European, 1%; 77 homozygotes.

Submission:

CeGaT Center for Human Genetics Tuebingen
Classification: Likely benign. Last evaluated: 2023-10-01. Review status: criteria provided, single submitter. Criteria: CeGaT Center For Human Genetics Tuebingen Variant Classification Criteria Version 2. Collection method: clinical testing. Allele origin: germline. Affected: yes. Observed: 1 variant allele.
Comment: PPP6R2: BS2